The following is an entry in ClinVar:

ClinVar aggregate classification (germline): Likely pathogenic (1 of 4 stars; one submission).

Submission:

GeneDx
Classification: Likely pathogenic. Last evaluated: 2017-11-03. Review status: criteria provided, single submitter. Criteria: GeneDx Variant Classification (06012015). Collection method: clinical testing. Allele origin: germline. Affected: yes.
Comment: The T446P variant in the WT1 gene has not been reported previously as a pathogenic variant, nor as a benign variant, to our knowledge. The T446P variant is not observed in large population cohorts (Lek et al., 2016). This variant is a non-conservative amino acid substitution, which is likely to impact secondary protein structure as these residues differ in polarity, charge, size and/or other properties. In addition, the T446P substitution occurs at a position that is conserved across species, and in silico analysis predicts this variant is probably damaging to the protein structure/function. Missense variants in nearby residues (H441Y, H441R, H441Q, H445N, H445Y, H445L, H445R, G447C, F451L) have been reported in the Human Gene Mutation Database in association with WT1-related disorders (Stenson et al., 2014), supporting the functional importance of this region of the protein. We interpret T446P as a likely pathogenic variant.

NM_024426.6(WT1):c.1351A>C (p.Thr451Pro)

Gene: WT1 (WT1 transcription factor; minus strand). Cytogenetic location: 11p13.
Variant type: single nucleotide variant.
Coding change: c.1351A>C on transcript NM_024426.6 (MANE Select); coding-DNA position 1351, A replaced by C.
Protein change: p.Thr451Pro; replaces threonine 451 with proline.
Molecular consequence: missense variant. On other transcripts: non-coding transcript variant (1).
Genome position (GRCh38, 1-based): chr11:32,392,669, T>G on the plus strand (A>C on the coding strand, the complement: WT1 is on the minus strand). VCF-style: chr11-32392669-T-G. GRCh37 (hg19) VCF-style: chr11-32414215-T-G.
Other names: c.1300A>C, p.Thr434Pro (NM_000378.6, NM_001407045.1, NM_001407049.1); c.700A>C, p.Thr234Pro (NM_001198551.2); c.649A>C, p.Thr217Pro (NM_001198552.2); c.163A>C, p.Thr55Pro (NM_001367854.1); c.1345A>C, p.Thr449Pro (NM_001407044.1); c.1351A>C, p.Thr451Pro (NM_001407046.1, NM_024424.5); c.1228A>C, p.Thr410Pro (NM_001407047.1); c.1177A>C, p.Thr393Pro (NM_001407050.1); and 2 more; short protein forms T234P, T55P, T217P, T434P, T451P, T393P, T410P, T429P.
Identifiers: ClinVar variation 453183 (VCV000453183.3), dbSNP rs1554939189, ClinGen allele CA379959115.